The following is an entry in ClinVar:

ClinVar aggregate classification (germline): Uncertain significance (1 of 4 stars; one submission).

Conditions:
Infantile-onset ascending hereditary spastic paralysis (IAHSP). Also called: Autosomal Recessive Juvenile Amyotrophic Lateral Sclerosis; Infantile-Onset Ascending Hereditary Spastic Paralysis (IAHSP). Identifiers: Orphanet 293168, MedGen C2931441, MONDO:0011797, OMIM 607225. Disease mechanism: loss of function.

Allele frequency attached by ClinVar (database versions not stated): gnomAD exomes below 0.00001.
gnomAD v4.1: 1 of 1,614,000 alleles (0.000062%); highest among the groups gnomAD compares: Middle Eastern, 0.016%; no homozygotes.

Submission:

Labcorp Genetics (formerly Invitae), Labcorp
Classification: Uncertain significance for Infantile-onset ascending hereditary spastic paralysis. Last evaluated: 2017-05-20. Review status: criteria provided, single submitter. Criteria: Invitae Variant Classification Sherloc (09022015). Collection method: clinical testing. Allele origin: germline.
Comment: In summary, this variant has uncertain impact on ALS2 function. The available evidence is currently insufficient to determine its role in disease. Therefore, it has been classified as a Variant of Uncertain Significance. Nucleotide substitutions within the consensus splice site are relatively common causes of aberrant splicing (PMID: 17576681, 9536098). Algorithms developed to predict the effect of sequence changes on RNA splicing suggest that this variant is not likely to affect RNA splicing, but this prediction has not been confirmed by published transcriptional studies. This variant has not been reported in the literature in individuals with an ALS2-related disease. This variant is not present in population databases (ExAC no frequency). This sequence change falls in intron 25 of the ALS2 gene. It does not directly change the encoded amino acid sequence of the ALS2 protein, but it affects a nucleotide within the consensus splice site of the intron.

Literature cited by the submitters: PubMed 17576681; PubMed 9536098.

NM_020919.4(ALS2):c.4004+6T>A

Gene: ALS2 (alsin Rho guanine nucleotide exchange factor ALS2; minus strand). Cytogenetic location: 2q33.1.
Variant type: single nucleotide variant.
Coding change: c.4004+6T>A on transcript NM_020919.4 (MANE Select); 6 bases into the intron after coding-DNA position 4004, T replaced by A.
Molecular consequence: intron variant.
Genome position (GRCh38, 1-based): chr2:201,715,666, A>T on the plus strand (T>A on the coding strand, the complement: ALS2 is on the minus strand). VCF-style: chr2-201715666-A-T. GRCh37 (hg19) VCF-style: chr2-202580389-A-T.
Identifiers: ClinVar variation 465190 (VCV000465190.8), dbSNP rs1553502811, ClinGen allele CA658657199.